The following is an entry in ClinVar:

ClinVar aggregate classification (germline): Benign. Review status: criteria provided, multiple submitters, no conflicts (2 of 4 stars). 4 submissions from 4 submitters: Benign (4). Last evaluated 2023-04-11.

Conditions:
Ichthyosis vulgaris. Also called: Dominant ichthyosis vulgaris; ICHTHYOSIS SIMPLEX. Identifiers: MedGen C0079584, MONDO:0024304, OMIM 146700.

Allele frequency attached by ClinVar (database versions not stated): ESP Exome Variant Server 0.27057; ExAC 0.29492; gnomAD 0.29513 and 0.30338; TOPMed 0.32478; 1000 Genomes Project 30x 0.46330; 1000 Genomes Project 0.46406.
gnomAD v4.1: 355,151 of 1,613,488 alleles (22%); highest among the groups gnomAD compares: East Asian, 62%; 52,116 homozygotes.

Submissions (4):

Genome-Nilou Lab
Classification: Benign for Ichthyosis vulgaris. Last evaluated: 2023-04-11. Review status: criteria provided, single submitter. Criteria: ACMG Guidelines, 2015. Collection method: clinical testing. Allele origin: germline. Affected: no.

GeneDx
Classification: Benign. Last evaluated: 2020-12-17. Review status: criteria provided, single submitter. Criteria: GeneDx Variant Classification Process June 2021. Collection method: clinical testing. Allele origin: germline. Affected: yes.
Comment: This variant is associated with the following publications: (PMID: 27577213)

Laboratory for Molecular Medicine, Mass General Brigham Personalized Medicine
Classification: Benign. Last evaluated: 2016-05-23. Review status: criteria provided, single submitter. Criteria: LMM Criteria. Collection method: clinical testing. Allele origin: germline. Observed: 2 variant alleles.
Comment: p.Thr454Ala in exon 3 of FLG: This variant is not expected to have clinical sign ificance because it has been identified in 60.55% (5223/8626) of East Asian chro mosomes by the Exome Aggregation Consortium (ExAC, g; dbSNP rs2011331).

Breakthrough Genomics
Classification: Benign. Review status: criteria provided, single submitter. Criteria: ACMG Guidelines, 2015. Collection method: not provided. Allele origin: germline. Inheritance: Autosomal dominant inheritance. Affected: yes.

NM_002016.2(FLG):c.1360A>G (p.Thr454Ala)

Genes: CCDST (cervical cancer associated DHX9 suppressive transcript; plus strand), FLG (filaggrin; minus strand). Cytogenetic location: 1q21.3.
Variant type: single nucleotide variant.
Coding change: c.1360A>G on transcript NM_002016.2 (MANE Select); coding-DNA position 1360, A replaced by G.
Protein change: p.Thr454Ala; replaces threonine 454 with alanine.
Molecular consequence: missense variant. On other transcripts: non-coding transcript variant (1).
Genome position (GRCh38, 1-based): chr1:152,313,526, T>C on the plus strand (A>G on the coding strand, the complement: FLG is on the minus strand). VCF-style: chr1-152313526-T-C. GRCh37 (hg19) VCF-style: chr1-152286002-T-C.
Other names: short protein forms T454A.
Identifiers: ClinVar variation 666624 (VCV000666624.8), dbSNP rs2011331, ClinGen allele CA1107674.
Genomic context (GRCh38, chr1:152,313,526, plus strand): 5'-TGCTCACCTGGTAGAGGGAAGACCCTGAACGTCCAGACCGTTCCCCTGACCGGCCACGTG[T>C]GGACTCTTGGTGGCTCTGCTGTCTCAGCCCAGCCTTTCCGTGGCCTGACACTGATTGTGT-3'
Protein context (NP_002007.1, residues 444-464): GLRQQSHQES[Thr454Ala]RGRSGERSGR